The following is an entry in ClinVar:

NM_001371596.2(MFSD8):c.1351-3C>T

Gene: MFSD8 (major facilitator superfamily domain containing 8; minus strand). Cytogenetic location: 4q28.2.
Variant type: single nucleotide variant.
Coding change: c.1351-3C>T on transcript NM_001371596.2 (MANE Select); 3 bases into the intron before coding-DNA position 1351, C replaced by T.
Molecular consequence: intron variant. On other transcripts: 3 prime UTR variant (1).
Genome position (GRCh38, 1-based): chr4:127,920,839, G>A on the plus strand (C>T on the coding strand, the complement: MFSD8 is on the minus strand). VCF-style: chr4-127920839-G-A. GRCh37 (hg19) VCF-style: chr4-128841994-G-A.
Other names: c.*920C>T (NM_001410766.1); c.1069-3C>T (NM_001371595.1); c.901-3C>T (NM_001410765.1); c.1216-3C>T (NM_001371590.2); c.1351-3C>T (NM_152778.4); c.1036-3C>T (NM_001363521.3); c.1237-3C>T (NM_001371593.2); c.1150-3C>T (NM_001363520.3); and 3 more.
Identifiers: ClinVar variation 514505 (VCV000514505.3), dbSNP rs1553943564, ClinGen allele CA658796468.

ClinVar aggregate classification (germline): Likely benign (1 of 4 stars; one submission).

Submission:

GeneDx
Classification: Likely benign. Last evaluated: 2018-01-03. Review status: criteria provided, single submitter. Criteria: GeneDx Variant Classification (06012015). Collection method: clinical testing. Allele origin: germline. Affected: yes.
Comment: This variant is considered likely benign or benign based on one or more of the following criteria: it is a conservative change, it occurs at a poorly conserved position in the protein, it is predicted to be benign by multiple in silico algorithms, and/or has population frequency not consistent with disease.